The following is an entry in ClinVar:

ClinVar aggregate classification (germline): Uncertain significance (1 of 4 stars; one submission).

Allele frequency attached by ClinVar (database versions not stated): gnomAD exomes below 0.00001.

Submission:

Labcorp Genetics (formerly Invitae), Labcorp
Classification: Uncertain significance. Last evaluated: 2024-02-17. Review status: criteria provided, single submitter. Criteria: Invitae Variant Classification Sherloc (09022015). Collection method: clinical testing. Allele origin: germline.
Comment: This sequence change replaces leucine, which is neutral and non-polar, with arginine, which is basic and polar, at codon 675 of the CLCN7 protein (p.Leu675Arg). This variant is not present in population databases (gnomAD no frequency). This variant has not been reported in the literature in individuals affected with CLCN7-related conditions. ClinVar contains an entry for this variant (Variation ID: 1927044). An algorithm developed to predict the effect of missense changes on protein structure and function (PolyPhen-2) suggests that this variant is likely to be disruptive. In summary, the available evidence is currently insufficient to determine the role of this variant in disease. Therefore, it has been classified as a Variant of Uncertain Significance.

NM_001287.6(CLCN7):c.2024T>G (p.Leu675Arg)

Gene: CLCN7 (chloride voltage-gated channel 7; minus strand). Cytogenetic location: 16p13.3.
Variant type: single nucleotide variant.
Coding change: c.2024T>G on transcript NM_001287.6 (MANE Select); coding-DNA position 2024, T replaced by G.
Protein change: p.Leu675Arg; replaces leucine 675 with arginine.
Molecular consequence: missense variant.
Genome position (GRCh38, 1-based): chr16:1,447,704, A>C on the plus strand (T>G on the coding strand, the complement: CLCN7 is on the minus strand). VCF-style: chr16-1447704-A-C. GRCh37 (hg19) VCF-style: chr16-1497705-A-C.
Other names: c.1952T>G, p.Leu651Arg (NM_001114331.3); short protein forms L675R, L651R.
Identifiers: ClinVar variation 1927044 (VCV001927044.4), dbSNP rs2038674999, ClinGen allele CA394185938.